The following is an entry in ClinVar:

NM_001330260.2(SCN8A):c.4471G>A (p.Ala1491Thr)

Gene: SCN8A (sodium voltage-gated channel alpha subunit 8; plus strand). Cytogenetic location: 12q13.13.
Variant type: single nucleotide variant.
Coding change: c.4471G>A on transcript NM_001330260.2 (MANE Select); coding-DNA position 4471, G replaced by A.
Protein change: p.Ala1491Thr; replaces alanine 1491 with threonine.
Molecular consequence: missense variant.
Genome position (GRCh38, 1-based): chr12:51,790,449, G>A. VCF-style: chr12-51790449-G-A. GRCh37 (hg19) VCF-style: chr12-52184233-G-A.
Other names: c.4348G>A, p.Ala1450Thr (NM_001177984.3, NM_001369788.1); c.4471G>A, p.Ala1491Thr (NM_014191.4); short protein forms A1450T, A1491T.
Identifiers: ClinVar variation 642768 (VCV000642768.12), dbSNP rs1592164705, ClinGen allele CA384909121.

ClinVar aggregate classification (germline): Conflicting classifications of pathogenicity. Review status: criteria provided, conflicting classifications (1 of 4 stars). 2 submissions from 2 submitters: Likely pathogenic (1); Uncertain significance (1). Last evaluated 2024-12-02.

Conditions:
Early-infantile DEE. Also called: Early infantile epileptic encephalopathy; Early infantile epileptic encephalopathy with suppression bursts; Ohtahara syndrome. Identifiers: Orphanet 1934, MedGen C0393706, MONDO:0800491.

Submissions (2):

Labcorp Genetics (formerly Invitae), Labcorp
Classification: Likely pathogenic for Early-infantile DEE. Last evaluated: 2024-12-02. Review status: criteria provided, single submitter. Criteria: Invitae Variant Classification Sherloc (09022015). Collection method: clinical testing. Allele origin: germline.
Comment: This sequence change replaces alanine, which is neutral and non-polar, with threonine, which is neutral and polar, at codon 1491 of the SCN8A protein (p.Ala1491Thr). This variant is not present in population databases (gnomAD no frequency). This variant has not been reported in the literature in individuals affected with SCN8A-related conditions. ClinVar contains an entry for this variant (Variation ID: 642768). Invitae Evidence Modeling of protein sequence and biophysical properties (such as structural, functional, and spatial information, amino acid conservation, physicochemical variation, residue mobility, and thermodynamic stability) indicates that this missense variant is expected to disrupt SCN8A protein function with a positive predictive value of 95%. This variant disrupts the p.Ala1491 amino acid residue in SCN8A. Other variant(s) that disrupt this residue have been determined to be pathogenic (PMID: 30171078, 31402610, 32090326, 36198807). This suggests that this residue is clinically significant, and that variants that disrupt this residue are likely to be disease-causing. In summary, the currently available evidence indicates that the variant is pathogenic, but additional data are needed to prove that conclusively. Therefore, this variant has been classified as Likely Pathogenic.

Revvity Omics, Revvity
Classification: Uncertain significance. Last evaluated: 2022-05-18. Review status: criteria provided, single submitter. Criteria: ACMG Guidelines, 2015. Collection method: clinical testing. Allele origin: germline.

Literature cited by the submitters: PubMed 30171078 (cited by Labcorp Genetics (formerly Invitae), Labcorp); PubMed 31402610 (cited by Labcorp Genetics (formerly Invitae), Labcorp); PubMed 32090326 (cited by Labcorp Genetics (formerly Invitae), Labcorp); PubMed 36198807 (cited by Labcorp Genetics (formerly Invitae), Labcorp).